The following is an entry in ClinVar:

NM_001375808.2(LPIN2):c.1939-5A>G

Gene: LPIN2 (lipin 2; minus strand). Cytogenetic location: 18p11.31.
Variant type: single nucleotide variant.
Coding change: c.1939-5A>G on transcript NM_001375808.2 (MANE Select); 5 bases into the intron before coding-DNA position 1939, A replaced by G.
Molecular consequence: intron variant.
Genome position (GRCh38, 1-based): chr18:2,924,551, T>C on the plus strand (A>G on the coding strand, the complement: LPIN2 is on the minus strand). VCF-style: chr18-2924551-T-C. GRCh37 (hg19) VCF-style: chr18-2924549-T-C.
Other names: c.1939-5A>G (NM_014646.2, NM_001375809.1).
Identifiers: ClinVar variation 246349 (VCV000246349.9), dbSNP rs779830291, ClinGen allele CA8872895.

ClinVar aggregate classification (germline): Likely benign. Review status: criteria provided, multiple submitters, no conflicts (2 of 4 stars). 2 submissions from 2 submitters: Likely benign (2). Last evaluated 2025-07-14.

Conditions:
Majeed syndrome (MJDS). Also called: CHRONIC RECURRENT MULTIFOCAL OSTEOMYELITIS 1, WITH CONGENITAL DYSERYTHROPOIETIC ANEMIA, WITH OR WITHOUT NEUTROPHILIC DERMATOSIS; LPIN2-Related Majeed Syndrome. Identifiers: Orphanet 77297, MedGen C1864997, MONDO:0012316, OMIM 609628.

Submissions (2):

Labcorp Genetics (formerly Invitae), Labcorp
Classification: Likely benign for Majeed syndrome. Last evaluated: 2025-07-14. Review status: criteria provided, single submitter. Criteria: Invitae Variant Classification Sherloc (09022015). Collection method: clinical testing. Allele origin: germline.

GeneDx
Classification: Likely benign. Last evaluated: 2016-01-27. Review status: criteria provided, single submitter. Criteria: GeneDx Variant Classification (06012015). Collection method: clinical testing. Allele origin: germline. Affected: yes.
Comment: This variant is considered likely benign or benign based on one or more of the following criteria: it is a conservative change, it occurs at a poorly conserved position in the protein, it is predicted to be benign by multiple in silico algorithms, and/or has population frequency not consistent with disease.